The following is an entry in ClinVar:

ClinVar aggregate classification (germline): Uncertain significance. Review status: criteria provided, multiple submitters, no conflicts (2 of 4 stars). 6 submissions from 6 submitters: Uncertain significance (6). Last evaluated 2026-02-19.

Conditions:
Cardiovascular phenotype. Identifiers: MedGen CN230736.
Hypertrophic cardiomyopathy 12. Identifiers: MedGen C2677491, MONDO:0012804, OMIM 612124.
Dilated cardiomyopathy 1M (CMD1M). Identifiers: Orphanet 154, MedGen C1843808, MONDO:0011840, OMIM 607482.

Allele frequency attached by ClinVar (database versions not stated): gnomAD exomes 0.00002 and 0.00001; ExAC 0.00002; TOPMed 0.00013; gnomAD 0.00015 and 0.00016.

Submissions (6):

Dasa
Classification: Uncertain significance for Hypertrophic cardiomyopathy 12. Last evaluated: 2026-02-19. Review status: criteria provided, single submitter. Criteria: DASA Assertion Criteria. Collection method: clinical testing. Allele origin: germline.
Comment: NM_003476.5(CSRP3):c.175A>G (p.Lys59Glu) is a missense variant that results in the substitution of lysine with glutamic acid. This variant is rare in population databases. Computational prediction algorithms are consistent with a deleterious effect. The currently available literature and clinical evidence are not sufficient to establish a definitive association between this variant and the reported condition. Therefore, this variant is classified as a variant of uncertain significance.

GeneDx
Classification: Uncertain significance. Last evaluated: 2026-01-22. Review status: criteria provided, single submitter. Criteria: GeneDx Variant Classification Process June 2021. Collection method: clinical testing. Allele origin: germline. Affected: yes.
Comment: In silico analysis supports that this missense variant has a deleterious effect on protein structure/function; Has not been previously published as pathogenic or benign to our knowledge; This variant is associated with the following publications: (PMID: 30681346)

Labcorp Genetics (formerly Invitae), Labcorp
Classification: Uncertain significance for Hypertrophic cardiomyopathy 12; Dilated cardiomyopathy 1M. Last evaluated: 2025-12-24. Review status: criteria provided, single submitter. Criteria: Invitae Variant Classification Sherloc (09022015). Collection method: clinical testing. Allele origin: germline.
Comment: This sequence change replaces lysine, which is basic and polar, with glutamic acid, which is acidic and polar, at codon 59 of the CSRP3 protein (p.Lys59Glu). This variant is present in population databases (rs769003538, gnomAD 0.05%). This variant has not been reported in the literature in individuals affected with CSRP3-related conditions. ClinVar contains an entry for this variant (Variation ID: 423356). An algorithm developed to predict the effect of missense changes on protein structure and function (PolyPhen-2) suggests that this variant is likely to be disruptive. In summary, the available evidence is currently insufficient to determine the role of this variant in disease. Therefore, it has been classified as a Variant of Uncertain Significance.

Ambry Genetics
Classification: Uncertain significance for Cardiovascular phenotype. Last evaluated: 2024-03-15. Review status: criteria provided, single submitter. Criteria: Ambry Variant Classification Scheme 2023. Collection method: clinical testing. Allele origin: germline.
Comment: The p.K59E variant (also known as c.175A>G), located in coding exon 2 of the CSRP3 gene, results from an A to G substitution at nucleotide position 175. The lysine at codon 59 is replaced by glutamic acid, an amino acid with similar properties. This amino acid position is highly conserved in available vertebrate species. In addition, this alteration is predicted to be deleterious by in silico analysis. Since supporting evidence is limited at this time, the clinical significance of this alteration remains unclear.

Fulgent Genetics
Classification: Uncertain significance for Dilated cardiomyopathy 1M; Hypertrophic cardiomyopathy 12. Last evaluated: 2021-10-05. Review status: criteria provided, single submitter. Criteria: ACMG Guidelines, 2015. Collection method: clinical testing. Allele origin: unknown.

Breakthrough Genomics
Classification: Uncertain significance. Review status: criteria provided, single submitter. Criteria: ACMG Guidelines, 2015. Collection method: not provided. Allele origin: germline. Inheritance: Autosomal dominant inheritance. Affected: yes.

NM_003476.5(CSRP3):c.175A>G (p.Lys59Glu)

Gene: CSRP3 (cysteine and glycine rich protein 3; minus strand). Cytogenetic location: 11p15.1.
Variant type: single nucleotide variant.
Coding change: c.175A>G on transcript NM_003476.5 (MANE Select); coding-DNA position 175, A replaced by G.
Protein change: p.Lys59Glu; replaces lysine 59 with glutamic acid.
Molecular consequence: missense variant. On other transcripts: intron variant (1).
Genome position (GRCh38, 1-based): chr11:19,188,242, T>C on the plus strand (A>G on the coding strand, the complement: CSRP3 is on the minus strand). VCF-style: chr11-19188242-T-C. GRCh37 (hg19) VCF-style: chr11-19209789-T-C.
Other names: c.175A>G (LRG_440t1); c.113-1894A>G (NM_001369404.1); short protein forms K59E.
Identifiers: ClinVar variation 423356 (VCV000423356.20), dbSNP rs769003538, ClinGen allele CA5916630.